The following is an entry in ClinVar:

NM_000127.3(EXT1):c.773C>A (p.Pro258His)

Gene: EXT1 (exostosin glycosyltransferase 1; minus strand). Cytogenetic location: 8q24.11.
Variant type: single nucleotide variant.
Coding change: c.773C>A on transcript NM_000127.3 (MANE Select); coding-DNA position 773, C replaced by A.
Protein change: p.Pro258His; replaces proline 258 with histidine.
Molecular consequence: missense variant.
Genome position (GRCh38, 1-based): chr8:118,110,274, G>T on the plus strand (C>A on the coding strand, the complement: EXT1 is on the minus strand). VCF-style: chr8-118110274-G-T. GRCh37 (hg19) VCF-style: chr8-119122513-G-T.
Other names: short protein forms P258H.
Identifiers: ClinVar variation 1488010 (VCV001488010.8), dbSNP rs2130041856, ClinGen allele CA371915085.

ClinVar aggregate classification (germline): Uncertain significance (1 of 4 stars; one submission).

Conditions:
Multiple congenital exostosis (EXT). Also called: Hereditary multiple osteochondromas; MULTIPLE CARTILAGINOUS EXOSTOSES; Hereditary multiple exostoses; Hereditary multiple exostosis; Multiple osteochondromas; Multiple exostoses. Identifiers: Orphanet 321, MedGen C0015306, MONDO:0005508, HP:0002762.

Submission:

Labcorp Genetics (formerly Invitae), Labcorp
Classification: Uncertain significance for Multiple congenital exostosis. Last evaluated: 2021-03-30. Review status: criteria provided, single submitter. Criteria: Invitae Variant Classification Sherloc (09022015). Collection method: clinical testing. Allele origin: germline.
Comment: This variant has not been reported in the literature in individuals with EXT1-related conditions. This variant is not present in population databases (ExAC no frequency). This sequence change replaces proline with histidine at codon 258 of the EXT1 protein (p.Pro258His). The proline residue is moderately conserved and there is a moderate physicochemical difference between proline and histidine. In summary, the available evidence is currently insufficient to determine the role of this variant in disease. Therefore, it has been classified as a Variant of Uncertain Significance. Advanced modeling of protein sequence and biophysical properties (such as structural, functional, and spatial information, amino acid conservation, physicochemical variation, residue mobility, and thermodynamic stability) performed at Invitae indicates that this missense variant is not expected to disrupt EXT1 protein function.